The following is an entry in ClinVar:

ClinVar aggregate classification (germline): Likely pathogenic (1 of 4 stars; one submission).

Conditions:
TCF12-related craniosynostosis. Also called: Craniosynostosis 3. Identifiers: Orphanet 35098, Orphanet 35099, Orphanet 672979, MedGen C3715051, MONDO:0014128, OMIM 615314.

Submission:

3billion
Classification: Likely pathogenic for TCF12-related craniosynostosis. Last evaluated: 2023-09-05. Review status: criteria provided, single submitter. Criteria: ACMG Guidelines, 2015. Collection method: clinical testing. Allele origin: germline. Affected: yes.
Comment: The variant is not observed in the gnomAD v2.1.1 dataset. Predicted Consequence/Location: Stop-gained (nonsense): predicted to result in a loss or disruption of normal protein function through nonsense-mediated decay (NMD) or protein truncation. Multiple pathogenic variants are reported downstream of the variant. Therefore, this variant is classified as Likely pathogenic according to the recommendation of ACMG/AMP guideline.

NM_207037.2(TCF12):c.314C>G (p.Ser105Ter)

Gene: TCF12 (transcription factor 12; plus strand). Cytogenetic location: 15q21.3.
Variant type: single nucleotide variant.
Coding change: c.314C>G on transcript NM_207037.2 (MANE Select); coding-DNA position 314, C replaced by G.
Protein change: p.Ser105Ter; replaces serine 105 with a stop codon.
Molecular consequence: nonsense. On other transcripts: 5 prime UTR variant (1).
Genome position (GRCh38, 1-based): chr15:57,091,880, C>G. VCF-style: chr15-57091880-C-G. GRCh37 (hg19) VCF-style: chr15-57384078-C-G.
Other names: c.314C>G, p.Ser105Ter (NM_001322151.2, NM_001322152.2, NM_001322157.3 and 7 more transcripts); c.-339C>G (NM_001322154.2); c.140C>G, p.Ser47Ter (NM_001322156.2, NM_001322158.2); c.350C>G, p.Ser117Ter (NM_001322164.2); short protein forms S105*, S117*, S47*.
Identifiers: ClinVar variation 3775742 (VCV003775742.1).